The following is an entry in ClinVar:

NM_001174147.2(LMX1B):c.115C>T (p.Pro39Ser)

Gene: LMX1B (LIM homeobox transcription factor 1 beta; plus strand). Cytogenetic location: 9q33.3.
Variant type: single nucleotide variant.
Coding change: c.115C>T on transcript NM_001174147.2 (MANE Select); coding-DNA position 115, C replaced by T.
Protein change: p.Pro39Ser; replaces proline 39 with serine.
Molecular consequence: missense variant.
Genome position (GRCh38, 1-based): chr9:126,614,564, C>T. VCF-style: chr9-126614564-C-T. GRCh37 (hg19) VCF-style: chr9-129376843-C-T.
Other names: c.115C>T, p.Pro39Ser (NM_001174146.2, NM_002316.4); short protein forms P39S.
Identifiers: ClinVar variation 973862 (VCV000973862.5), dbSNP rs771784052, ClinGen allele CA5242214.
Genomic context (GRCh38, chr9:126,614,564, plus strand): 5'-ACGGACTGCGCCAAGATGTTGGACGGCATCAAGATGGAGGAGCACGCCCTGCGCCCCGGG[C>T]CCGCCACTCTGGGGGTGCTGCTGGGTGAGTGCGGGGTCGGAACGCCCGAGTGGTCTCGGG-3'
Protein context (NP_001167618.1, residues 29-49): KMEEHALRPG[Pro39Ser]ATLGVLLGSD

ClinVar aggregate classification (germline): Uncertain significance. Review status: criteria provided, multiple submitters, no conflicts (2 of 4 stars). 4 submissions from 4 submitters: Uncertain significance (4). Last evaluated 2025-03-26.

Conditions:
Nail-patella syndrome (NPS). Also called: TURNER-KIESER SYNDROME; FONG DISEASE; ONYCHOOSTEODYSPLASIA. Identifiers: Orphanet 2614, MedGen C0027341, MONDO:0008061, OMIM 161200.
Nail-patella-like renal disease. Also called: GLOMERULAR BASEMENT MEMBRANE DISEASE, NAIL-PATELLA SYNDROME TYPE; Focal Segmental Glomerulosclerosis 10. Identifiers: Orphanet 2613, MedGen C0403548, MONDO:0009724, OMIM 256020.
Inborn genetic diseases. Identifiers: MedGen C0950123, MeSH D030342.

Allele frequency attached by ClinVar (database versions not stated): gnomAD 0.00001; TOPMed 0.00001; gnomAD exomes 0.00004; ExAC 0.00005.

Submissions (4):

Labcorp Genetics (formerly Invitae), Labcorp
Classification: Uncertain significance. Last evaluated: 2025-03-26. Review status: criteria provided, single submitter. Criteria: Invitae Variant Classification Sherloc (09022015). Collection method: clinical testing. Allele origin: germline.
Comment: This sequence change replaces proline, which is neutral and non-polar, with serine, which is neutral and polar, at codon 39 of the LMX1B protein (p.Pro39Ser). This variant is present in population databases (rs771784052, gnomAD 0.05%). This variant has not been reported in the literature in individuals affected with LMX1B-related conditions. ClinVar contains an entry for this variant (Variation ID: 973862). An algorithm developed to predict the effect of missense changes on protein structure and function (PolyPhen-2) suggests that this variant is likely to be tolerated. In summary, the available evidence is currently insufficient to determine the role of this variant in disease. Therefore, it has been classified as a Variant of Uncertain Significance.

Fulgent Genetics
Classification: Uncertain significance for Nail-patella syndrome; Nail-patella-like renal disease. Last evaluated: 2024-03-22. Review status: criteria provided, single submitter. Criteria: ACMG Guidelines, 2015. Collection method: clinical testing. Allele origin: germline.

Ambry Genetics
Classification: Uncertain significance for Inborn genetic diseases. Last evaluated: 2023-06-22. Review status: criteria provided, single submitter. Criteria: Ambry Variant Classification Scheme 2023. Collection method: clinical testing. Allele origin: germline.

Johns Hopkins Genomics, Johns Hopkins University
Classification: Uncertain significance for Nail-patella syndrome. Last evaluated: 2020-05-08. Review status: criteria provided, single submitter. Criteria: ACMG Guidelines, 2015. Collection method: clinical testing. Allele origin: germline.